The following is an entry in ClinVar:

ClinVar aggregate classification (germline): Likely benign. Review status: criteria provided, multiple submitters, no conflicts (2 of 4 stars). 2 submissions from 2 submitters: Likely benign (2). Last evaluated 2024-07-11.

Conditions:
BAP1-related tumor predisposition syndrome (TPDS1). Also called: Tumor susceptibility linked to germline BAP1 mutations; COMMON Syndrome; TUMOR PREDISPOSITION SYNDROME 1; BAP1 tumor predisposition syndrome. Identifiers: Orphanet 289539, MedGen C3280492, MONDO:0013692, OMIM 614327.

Allele frequency attached by ClinVar (database versions not stated): gnomAD exomes 0.00001.
gnomAD v4.1: 11 of 1,614,138 alleles (0.00068%); highest among the groups gnomAD compares: South Asian, 0.012%; no homozygotes.

Submissions (2):

Myriad Genetics, Inc.
Classification: Likely benign for BAP1-related tumor predisposition syndrome. Last evaluated: 2024-07-11. Review status: criteria provided, single submitter. Criteria: Myriad Autosomal Dominant, Autosomal Recessive and X-Linked Classification Criteria (2023). Collection method: clinical testing. Allele origin: unknown.
Comment: This variant is considered likely benign. This variant is intronic and is not expected to impact mRNA splicing.

Labcorp Genetics (formerly Invitae), Labcorp
Classification: Likely benign for BAP1-related tumor predisposition syndrome. Last evaluated: 2024-03-09. Review status: criteria provided, single submitter. Criteria: Invitae Variant Classification Sherloc (09022015). Collection method: clinical testing. Allele origin: germline.

NM_004656.4(BAP1):c.67+7G>A

Gene: BAP1 (BRCA1 associated deubiquitinase 1; minus strand). Cytogenetic location: 3p21.1.
Variant type: single nucleotide variant.
Coding change: c.67+7G>A on transcript NM_004656.4 (MANE Select); 7 bases into the intron after coding-DNA position 67, G replaced by A.
Molecular consequence: intron variant.
Genome position (GRCh38, 1-based): chr3:52,409,707, C>T on the plus strand (G>A on the coding strand, the complement: BAP1 is on the minus strand). VCF-style: chr3-52409707-C-T. GRCh37 (hg19) VCF-style: chr3-52443723-C-T.
Identifiers: ClinVar variation 1637830 (VCV001637830.9), dbSNP rs772561896, ClinGen allele CA2437230.
Genomic context (GRCh38, chr3:52,409,707, plus strand): 5'-CCTGATGAGTGAGGGCGCAGGGGTGGGCCGCCACAGCCCCGGTCCGGCAGGGAGAAAAGG[C>T]TCTTACCGAAATCTTCCACGAGCAGGGTGAAGAGGCCTGGGTGGGGCGACAAGAGGAGGG-3'